The following is an entry in ClinVar:

NM_198428.3(BBS9):c.1464T>C (p.Ser488=)

Gene: BBS9 (Bardet-Biedl syndrome 9; plus strand). Cytogenetic location: 7p14.3.
Variant type: single nucleotide variant.
Coding change: c.1464T>C on transcript NM_198428.3 (MANE Select); coding-DNA position 1464, T replaced by C.
Protein change: p.Ser488=; no amino-acid change (serine 488 retained).
Molecular consequence: synonymous variant. On other transcripts: non-coding transcript variant (3), intron variant (5).
Genome position (GRCh38, 1-based): chr7:33,351,250, T>C. VCF-style: chr7-33351250-T-C. GRCh37 (hg19) VCF-style: chr7-33390862-T-C.
Other names: c.1464T>C, p.Ser488= (NM_001033605.2, NM_001348036.1, NM_001348041.4 and 2 more transcripts); c.1098T>C, p.Ser366= (NM_001348037.3, NM_001348045.3, NM_001348046.3); c.1191T>C, p.Ser397= (NM_001348038.3); c.1329T>C, p.Ser443= (NM_001348042.3); c.1160-1609T>C (NM_001348039.3); c.1433-1609T>C (NM_001033604.2); c.1432+2080T>C (NM_014451.4, NM_001348040.3); c.1067-1609T>C (NM_001348044.3); and 1 more.
Identifiers: ClinVar variation 1113742 (VCV001113742.13), dbSNP rs200850911, ClinGen allele CA4214350.

ClinVar aggregate classification (germline): Likely benign. Review status: criteria provided, multiple submitters, no conflicts (2 of 4 stars). 4 submissions from 4 submitters: Likely benign (3). 1 of the submissions does not count toward it. Last evaluated 2026-01-24.

Conditions:
BBS9-related disorder. Also called: BBS9-related condition.
Bardet-Biedl syndrome 9 (BBS9). Identifiers: Orphanet 110, MedGen C1859567, MONDO:0014437, OMIM 615986.
Bardet-Biedl syndrome (BBS). Identifiers: Orphanet 110, MedGen C0752166, MONDO:0015229.

Allele frequency attached by ClinVar (database versions not stated): gnomAD 0.00001 and 0.00002; TOPMed 0.00002; 1000 Genomes Project 0.00020; 1000 Genomes Project 30x 0.00031.
gnomAD v4.1: 24 of 1,612,792 alleles (0.0015%); highest among the groups gnomAD compares: East Asian, 0.054%; no homozygotes.

Submissions (4):

Labcorp Genetics (formerly Invitae), Labcorp
Classification: Likely benign for Bardet-Biedl syndrome. Last evaluated: 2026-01-24. Review status: criteria provided, single submitter. Criteria: Invitae Variant Classification Sherloc (09022015). Collection method: clinical testing. Allele origin: germline.

Blueprint Genetics
Classification: Likely benign. Last evaluated: 2024-11-15. Review status: criteria provided, single submitter. Criteria: ACMG Guidelines, 2015. Collection method: clinical testing. Allele origin: germline.

Fulgent Genetics
Classification: Likely benign for Bardet-Biedl syndrome 9. Last evaluated: 2022-02-01. Review status: criteria provided, single submitter. Criteria: ACMG Guidelines, 2015. Collection method: clinical testing. Allele origin: unknown.

PreventionGenetics, part of Exact Sciences
Classification: Likely benign for BBS9-related condition. Last evaluated: 2023-11-17. Review status: no assertion criteria provided. Collection method: clinical testing. Allele origin: germline. Not counted in ClinVar's aggregate classification.
Comment: This variant is classified as likely benign based on ACMG/AMP sequence variant interpretation guidelines (Richards et al. 2015 PMID: 25741868, with internal and published modifications).